The following is an entry in ClinVar:

NM_015072.5(TTLL5):c.365T>G (p.Phe122Cys)

Gene: TTLL5 (tubulin tyrosine ligase like 5; plus strand). Cytogenetic location: 14q24.3.
Variant type: single nucleotide variant.
Coding change: c.365T>G on transcript NM_015072.5 (MANE Select); coding-DNA position 365, T replaced by G.
Protein change: p.Phe122Cys; replaces phenylalanine 122 with cysteine.
Molecular consequence: missense variant.
Genome position (GRCh38, 1-based): chr14:75,683,650, T>G. VCF-style: chr14-75683650-T-G. GRCh37 (hg19) VCF-style: chr14-76149993-T-G.
Other names: short protein forms F122C.
Identifiers: ClinVar variation 2119943 (VCV002119943.4), dbSNP rs1189428771, ClinGen allele CA390452603.

ClinVar aggregate classification (germline): Uncertain significance (1 of 4 stars; one submission).

Submission:

Labcorp Genetics (formerly Invitae), Labcorp
Classification: Uncertain significance. Last evaluated: 2026-01-26. Review status: criteria provided, single submitter. Criteria: Invitae Variant Classification Sherloc (09022015). Collection method: clinical testing. Allele origin: germline.
Comment: This sequence change replaces phenylalanine, which is neutral and non-polar, with cysteine, which is neutral and slightly polar, at codon 122 of the TTLL5 protein (p.Phe122Cys). This variant is not present in population databases (gnomAD no frequency). This variant has not been reported in the literature in individuals affected with TTLL5-related conditions. ClinVar contains an entry for this variant (Variation ID: 2119943). Invitae Evidence Modeling of protein sequence and biophysical properties (such as structural, functional, and spatial information, amino acid conservation, physicochemical variation, residue mobility, and thermodynamic stability) has been performed for this missense variant. However, the output from this modeling did not meet the statistical confidence thresholds required to predict the impact of this variant on TTLL5 protein function. In summary, the available evidence is currently insufficient to determine the role of this variant in disease. Therefore, it has been classified as a Variant of Uncertain Significance.